The following is an entry in ClinVar:

ClinVar aggregate classification (germline): Uncertain significance. Review status: criteria provided, multiple submitters, no conflicts (2 of 4 stars). 2 submissions from 2 submitters: Uncertain significance (2). Last evaluated 2025-09-09.

Conditions:
EYS-related disorder. Also called: EYS-related condition.

Allele frequency attached by ClinVar (database versions not stated): gnomAD exomes 0.00001 and 0.00004; TOPMed 0.00001.
gnomAD v4.1: 9 of 1,551,684 alleles (0.00058%); highest among the groups gnomAD compares: Admixed American, 0.0098%; no homozygotes.

Submissions (2):

PreventionGenetics, part of Exact Sciences
Classification: Uncertain significance for EYS-related condition. Last evaluated: 2025-09-09. Review status: criteria provided, single submitter. Criteria: ACMG Guidelines, 2015. Collection method: clinical testing. Allele origin: germline.
Comment: The EYS c.7517A>G variant is predicted to result in the amino acid substitution p.Asn2506Ser. To our knowledge, this variant has not been reported in the literature. This variant is present in 0.020% of alleles in individuals of Latino descent in gnomAD. At this time, the clinical significance of this variant is uncertain due to the absence of conclusive functional and genetic evidence.

Labcorp Genetics (formerly Invitae), Labcorp
Classification: Uncertain significance. Last evaluated: 2025-07-31. Review status: criteria provided, single submitter. Criteria: Invitae Variant Classification Sherloc (09022015). Collection method: clinical testing. Allele origin: germline.
Comment: This sequence change replaces asparagine, which is neutral and polar, with serine, which is neutral and polar, at codon 2506 of the EYS protein (p.Asn2506Ser). This variant is present in population databases (no rsID available, gnomAD 0.02%). This variant has not been reported in the literature in individuals affected with EYS-related conditions. ClinVar contains an entry for this variant (Variation ID: 1384996). Invitae Evidence Modeling of protein sequence and biophysical properties (such as structural, functional, and spatial information, amino acid conservation, physicochemical variation, residue mobility, and thermodynamic stability) indicates that this missense variant is not expected to disrupt EYS protein function with a negative predictive value of 80%. In summary, the available evidence is currently insufficient to determine the role of this variant in disease. Therefore, it has been classified as a Variant of Uncertain Significance.

NM_001142800.2(EYS):c.7517A>G (p.Asn2506Ser)

Gene: EYS (EGF-like photoreceptor maintenance factor; minus strand). Cytogenetic location: 6q12.
Variant type: single nucleotide variant.
Coding change: c.7517A>G on transcript NM_001142800.2 (MANE Select); coding-DNA position 7517, A replaced by G.
Protein change: p.Asn2506Ser; replaces asparagine 2506 with serine.
Molecular consequence: missense variant.
Genome position (GRCh38, 1-based): chr6:63,789,119, T>C on the plus strand (A>G on the coding strand, the complement: EYS is on the minus strand). VCF-style: chr6-63789119-T-C. GRCh37 (hg19) VCF-style: chr6-64499012-T-C.
Other names: c.7517A>G, p.Asn2506Ser (NM_001292009.2); c.7517A>G (NM_001142800.1); short protein forms N2506S.
Identifiers: ClinVar variation 1384996 (VCV001384996.7), dbSNP rs1358747928, ClinGen allele CA364385752.